The following is an entry in ClinVar:

ClinVar aggregate classification (germline): Uncertain significance. Review status: criteria provided, multiple submitters, no conflicts (2 of 4 stars). 2 submissions from 2 submitters: Uncertain significance (2). Last evaluated 2025-05-15.

Conditions:
Hereditary cancer-predisposing syndrome. Also called: Hereditary Cancer Syndrome; Tumor predisposition; Neoplastic Syndromes, Hereditary; Hereditary neoplastic syndrome. Identifiers: Orphanet 140162, MedGen C0027672, MeSH D009386, MONDO:0015356.
Ataxia-telangiectasia syndrome (AT). Also called: ATAXIA-TELANGIECTASIA, FRESNO VARIANT; Ataxia-telangiectasia, complementation group E; Ataxia telangiectasia (A-T); Cerebello-oculocutaneous telangiectasia; Immunodeficiency with ataxia telangiectasia; LOUIS-BAR SYNDROME. Identifiers: Orphanet 100, MedGen C0004135, MONDO:0008840, OMIM 208900.

Submissions (2):

Ambry Genetics
Classification: Uncertain significance for Hereditary cancer-predisposing syndrome. Last evaluated: 2025-05-15. Review status: criteria provided, single submitter. Criteria: Ambry Variant Classification Scheme 2023. Collection method: clinical testing. Allele origin: germline.
Comment: The p.K748N variant (also known as c.2244A>T), located in coding exon 13 of the ATM gene, results from an A to T substitution at nucleotide position 2244. The lysine at codon 748 is replaced by asparagine, an amino acid with similar properties. This amino acid position is conserved. In addition, this alteration is predicted to be tolerated by in silico analysis. Based on the available evidence, the clinical significance of this variant remains unclear.

Labcorp Genetics (formerly Invitae), Labcorp
Classification: Uncertain significance for Ataxia-telangiectasia syndrome. Last evaluated: 2023-07-18. Review status: criteria provided, single submitter. Criteria: Invitae Variant Classification Sherloc (09022015). Collection method: clinical testing. Allele origin: germline.
Comment: In summary, the available evidence is currently insufficient to determine the role of this variant in disease. Therefore, it has been classified as a Variant of Uncertain Significance. Algorithms developed to predict the effect of missense changes on protein structure and function output the following: SIFT: "Not Available"; PolyPhen-2: "Benign"; Align-GVGD: "Not Available". The asparagine amino acid residue is found in multiple mammalian species, which suggests that this missense change does not adversely affect protein function. ClinVar contains an entry for this variant (Variation ID: 649922). This variant has not been reported in the literature in individuals affected with ATM-related conditions. This variant is not present in population databases (gnomAD no frequency). This sequence change replaces lysine, which is basic and polar, with asparagine, which is neutral and polar, at codon 748 of the ATM protein (p.Lys748Asn).

NM_000051.4(ATM):c.2244A>T (p.Lys748Asn)

Gene: ATM (ATM serine/threonine kinase; plus strand). Cytogenetic location: 11q22.3.
Variant type: single nucleotide variant.
Coding change: c.2244A>T on transcript NM_000051.4 (MANE Select); coding-DNA position 2244, A replaced by T.
Protein change: p.Lys748Asn; replaces lysine 748 with asparagine.
Molecular consequence: missense variant.
Genome position (GRCh38, 1-based): chr11:108,256,334, A>T. VCF-style: chr11-108256334-A-T. GRCh37 (hg19) VCF-style: chr11-108127061-A-T.
Other names: c.2244A>T, p.Lys748Asn (NM_001351834.2); short protein forms K748N.
Identifiers: ClinVar variation 649922 (VCV000649922.8), dbSNP rs1591542559, ClinGen allele CA382539275.